The following is an entry in ClinVar:

ClinVar aggregate classification (germline): Uncertain significance (1 of 4 stars; one submission).

Submission:

Labcorp Genetics (formerly Invitae), Labcorp
Classification: Uncertain significance. Last evaluated: 2025-11-26. Review status: criteria provided, single submitter. Criteria: Invitae Variant Classification Sherloc (09022015). Collection method: clinical testing. Allele origin: germline.
Comment: This sequence change replaces arginine, which is basic and polar, with leucine, which is neutral and non-polar, at codon 1145 of the CACNA1D protein (p.Arg1145Leu). This variant is not present in population databases (gnomAD no frequency). This variant has not been reported in the literature in individuals affected with CACNA1D-related conditions. Invitae Evidence Modeling of protein sequence and biophysical properties (such as structural, functional, and spatial information, amino acid conservation, physicochemical variation, residue mobility, and thermodynamic stability) indicates that this missense variant is expected to disrupt CACNA1D protein function with a positive predictive value of 80%. In summary, the available evidence is currently insufficient to determine the role of this variant in disease. Therefore, it has been classified as a Variant of Uncertain Significance.

NM_001128840.3(CACNA1D):c.3374G>T (p.Arg1125Leu)

Genes: CACNA1D (calcium voltage-gated channel subunit alpha1 D; plus strand), LOC129936904 (ATAC-STARR-seq lymphoblastoid active region 19969; plus strand). Cytogenetic location: 3p21.1.
Variant type: single nucleotide variant.
Coding change: c.3374G>T on transcript NM_001128840.3 (MANE Select); coding-DNA position 3374, G replaced by T.
Protein change: p.Arg1125Leu; replaces arginine 1125 with leucine.
Molecular consequence: missense variant.
Genome position (GRCh38, 1-based): chr3:53,749,327, G>T. VCF-style: chr3-53749327-G-T. GRCh37 (hg19) VCF-style: chr3-53783354-G-T.
Other names: c.3434G>T, p.Arg1145Leu (NM_000720.4); c.3374G>T, p.Arg1125Leu (NM_001128839.3); short protein forms R1125L, R1145L.
Identifiers: ClinVar variation 4726583 (VCV004726583.1).